The following is an entry in ClinVar:

NM_002907.4(RECQL):c.242A>G (p.Asp81Gly)

Gene: RECQL (RecQ like helicase; minus strand). Cytogenetic location: 12p12.1.
Variant type: single nucleotide variant.
Coding change: c.242A>G on transcript NM_002907.4 (MANE Select); coding-DNA position 242, A replaced by G.
Protein change: p.Asp81Gly; replaces aspartic acid 81 with glycine.
Molecular consequence: missense variant.
Genome position (GRCh38, 1-based): chr12:21,490,351, T>C on the plus strand (A>G on the coding strand, the complement: RECQL is on the minus strand). VCF-style: chr12-21490351-T-C. GRCh37 (hg19) VCF-style: chr12-21643285-T-C.
Other names: c.242A>G, p.Asp81Gly (NM_032941.3); short protein forms D81G.
Identifiers: ClinVar variation 1791137 (VCV001791137.2), dbSNP rs1943386874, ClinGen allele CA384133484.

ClinVar aggregate classification (germline): Uncertain significance (1 of 4 stars; one submission).

Submission:

Ambry Genetics
Classification: Uncertain significance. Last evaluated: 2021-08-07. Review status: criteria provided, single submitter. Criteria: Ambry Variant Classification Scheme 2023. Collection method: clinical testing. Allele origin: germline.
Comment: The p.D81G variant (also known as c.242A>G), located in coding exon 3 of the RECQL gene, results from an A to G substitution at nucleotide position 242. The aspartic acid at codon 81 is replaced by glycine, an amino acid with similar properties. This amino acid position is conserved. In addition, the in silico prediction for this alteration is inconclusive. Since supporting evidence is limited at this time, the clinical significance of this alteration remains unclear.